The following is an entry in ClinVar:

ClinVar aggregate classification (germline): Benign (1 of 4 stars; one submission).

Allele frequency attached by ClinVar (database versions not stated): gnomAD exomes 0.00290; 1000 Genomes Project 0.02416; gnomAD 0.02552 and 0.02765; 1000 Genomes Project 30x 0.02639; TOPMed 0.02966.
gnomAD v4.1: 5,502 of 673,622 alleles (0.82%); highest among the groups gnomAD compares: African/African-American, 8.7%; 218 homozygotes.

Submission:

GeneDx
Classification: Benign. Last evaluated: 2018-06-16. Review status: criteria provided, single submitter. Criteria: GeneDx Variant Classification (06012015). Collection method: clinical testing. Allele origin: germline. Affected: yes.
Comment: This variant is considered likely benign or benign based on one or more of the following criteria: it is a conservative change, it occurs at a poorly conserved position in the protein, it is predicted to be benign by multiple in silico algorithms, and/or has population frequency not consistent with disease.

NM_001080449.3(DNA2):c.2208+129C>T

Gene: DNA2 (DNA replication helicase/nuclease 2; minus strand). Cytogenetic location: 10q21.3.
Variant type: single nucleotide variant.
Coding change: c.2208+129C>T on transcript NM_001080449.3 (MANE Select); 129 bases into the intron after coding-DNA position 2208, C replaced by T.
Molecular consequence: intron variant.
Genome position (GRCh38, 1-based): chr10:68,430,307, G>A on the plus strand (C>T on the coding strand, the complement: DNA2 is on the minus strand). VCF-style: chr10-68430307-G-A. GRCh37 (hg19) VCF-style: chr10-70190064-G-A.
Identifiers: ClinVar variation 675594 (VCV000675594.1), dbSNP rs115919476, ClinGen allele CA208199114.